The following is an entry in ClinVar:

NM_133433.4(NIPBL):c.2218_2250del (p.Gly740_Lys750del)

Gene: NIPBL (NIPBL cohesin loading factor; plus strand). Cytogenetic location: 5p13.2.
Variant type: Deletion.
Coding change: c.2218_2250del on transcript NM_133433.4 (MANE Select); coding-DNA positions 2218 to 2250, 33 bases deleted.
Protein change: p.Gly740_Lys750del.
Molecular consequence: inframe deletion.
Genome position (GRCh38, 1-based): chr5:36,985,398-36,985,430, 33 bases deleted; deleting any 33 consecutive bases within chr5:36,985,377-36,985,430 gives the same sequence; the c. name uses the placement nearest the transcript's 3' end. GRCh37 (hg19): chr5:36,985,500-36,985,532.
Other names: c.2218_2250del, p.Gly740_Lys750del (NM_015384.5); c.2218_2250del33 (NM_133433.4).
Identifiers: ClinVar variation 498138 (VCV000498138.6), dbSNP rs761493578, ClinGen allele CA3236141.

ClinVar aggregate classification (germline): Uncertain significance. Review status: criteria provided, multiple submitters, no conflicts (2 of 4 stars). 2 submissions from 2 submitters: Uncertain significance (2). Last evaluated 2024-09-11.

Submissions (2):

Women's Health and Genetics/Laboratory Corporation of America, LabCorp
Classification: Uncertain significance. Last evaluated: 2024-09-11. Review status: criteria provided, single submitter. Criteria: LabCorp Variant Classification Summary - May 2015. Collection method: clinical testing. Allele origin: germline.
Comment: Variant summary: NIPBL c.2218_2250del33 (p.Gly740_Lys750del) results in an in-frame deletion that is predicted to remove 11 amino acids from the encoded protein. The variant allele was found at a frequency of 2e-05 in 249378 control chromosomes (gnomAD). The available data on variant occurrences in the general population are insufficient to allow any conclusion about variant significance. To our knowledge, no occurrence of c.2218_2250del33 in individuals affected with Cornelia De Lange Syndrome 1 and no experimental evidence demonstrating its impact on protein function have been reported. ClinVar contains an entry for this variant (Variation ID: 498138). Based on the evidence outlined above, the variant was classified as uncertain significance.

Eurofins Ntd Llc (ga)
Classification: Uncertain significance. Last evaluated: 2016-10-25. Review status: criteria provided, single submitter. Criteria: EGL Classification Definitions 2015. Collection method: clinical testing. Allele origin: germline. Observed: 1 variant allele, 1 heterozygote.